The following is an entry in ClinVar:

NM_020937.4(FANCM):c.668A>G (p.Tyr223Cys)

Gene: FANCM (FA complementation group M; plus strand). Cytogenetic location: 14q21.2.
Variant type: single nucleotide variant.
Coding change: c.668A>G on transcript NM_020937.4 (MANE Select); coding-DNA position 668, A replaced by G.
Protein change: p.Tyr223Cys; replaces tyrosine 223 with cysteine.
Molecular consequence: missense variant.
Genome position (GRCh38, 1-based): chr14:45,137,228, A>G. VCF-style: chr14-45137228-A-G. GRCh37 (hg19) VCF-style: chr14-45606431-A-G.
Other names: c.668A>G, p.Tyr223Cys (NM_001308133.2, NM_001308134.2); short protein forms Y223C.
Identifiers: ClinVar variation 651335 (VCV000651335.9), dbSNP rs1594751903, ClinGen allele CA389588954.

ClinVar aggregate classification (germline): Uncertain significance. Review status: criteria provided, multiple submitters, no conflicts (2 of 4 stars). 2 submissions from 2 submitters: Uncertain significance (2). Last evaluated 2024-12-14.

Conditions:
Inborn genetic diseases. Identifiers: MedGen C0950123, MeSH D030342.
Fanconi anemia (FA). Also called: Fanconi's anemia. Identifiers: Orphanet 84, MedGen C0015625, MeSH D005199, MONDO:0019391.

Allele frequency attached by ClinVar (database versions not stated): gnomAD exomes below 0.00001.
gnomAD v4.1: 3 of 1,612,438 alleles (0.00019%); highest among the groups gnomAD compares: Non-Finnish European, 0.00017%; no homozygotes.

Submissions (2):

Ambry Genetics
Classification: Uncertain significance for Inborn genetic diseases. Last evaluated: 2024-12-14. Review status: criteria provided, single submitter. Criteria: Ambry Variant Classification Scheme 2023. Collection method: clinical testing. Allele origin: germline.
Comment: The p.Y223C variant (also known as c.668A>G), located in coding exon 2 of the FANCM gene, results from an A to G substitution at nucleotide position 668. The tyrosine at codon 223 is replaced by cysteine, an amino acid with highly dissimilar properties. This amino acid position is conserved. In addition, this alteration is predicted to be tolerated by in silico analysis. Based on the available evidence, the clinical significance of this variant remains unclear.

Labcorp Genetics (formerly Invitae), Labcorp
Classification: Uncertain significance for Fanconi anemia. Last evaluated: 2018-12-07. Review status: criteria provided, single submitter. Criteria: Invitae Variant Classification Sherloc (09022015). Collection method: clinical testing. Allele origin: germline.
Comment: This sequence change replaces tyrosine with cysteine at codon 223 of the FANCM protein (p.Tyr223Cys). The tyrosine residue is weakly conserved and there is a large physicochemical difference between tyrosine and cysteine. This variant is not present in population databases (ExAC no frequency). This variant has not been reported in the literature in individuals with FANCM-related conditions. Algorithms developed to predict the effect of missense changes on protein structure and function are either unavailable or do not agree on the potential impact of this missense change (SIFT: "Tolerated"; PolyPhen-2: "Probably Damaging"; Align-GVGD: "Class C0"). In summary, the available evidence is currently insufficient to determine the role of this variant in disease. Therefore, it has been classified as a Variant of Uncertain Significance.